The following is an entry in ClinVar:

NM_022051.3(EGLN1):c.455G>A (p.Arg152His)

Gene: EGLN1 (egl-9 family hypoxia inducible factor 1; minus strand). Cytogenetic location: 1q42.2.
Variant type: single nucleotide variant.
Coding change: c.455G>A on transcript NM_022051.3 (MANE Select); coding-DNA position 455, G replaced by A.
Protein change: p.Arg152His; replaces arginine 152 with histidine.
Molecular consequence: missense variant.
Genome position (GRCh38, 1-based): chr1:231,421,434, C>T on the plus strand (G>A on the coding strand, the complement: EGLN1 is on the minus strand). VCF-style: chr1-231421434-C-T. GRCh37 (hg19) VCF-style: chr1-231557180-C-T.
Other names: c.455G>A, p.Arg152His (NM_001377260.1, NM_001377261.1); short protein forms R152H.
Identifiers: ClinVar variation 1741484 (VCV001741484.4), dbSNP rs757050785, ClinGen allele CA1453179.

ClinVar aggregate classification (germline): Uncertain significance (1 of 4 stars; one submission).

Allele frequency attached by ClinVar (database versions not stated): gnomAD 0.00001; ExAC 0.00004.

Submission:

Ambry Genetics
Classification: Uncertain significance. Last evaluated: 2025-10-09. Review status: criteria provided, single submitter. Criteria: Ambry Variant Classification Scheme 2023. Collection method: clinical testing. Allele origin: germline.
Comment: The p.R152H variant (also known as c.455G>A), located in coding exon 1 of the EGLN1 gene, results from a G to A substitution at nucleotide position 455. The arginine at codon 152 is replaced by histidine, an amino acid with highly similar properties. This amino acid position is conserved. In addition, this alteration is predicted to be tolerated by in silico analysis. Since supporting evidence is limited at this time, the clinical significance of this alteration remains unclear.